The following is an entry in ClinVar:

ClinVar aggregate classification (germline): Uncertain significance (1 of 4 stars; one submission).

Conditions:
Familial thoracic aortic aneurysm and aortic dissection (TAAD). Also called: Thoracic aortic aneurysms and dissections. Identifiers: Orphanet 91387, MedGen C4707243, MONDO:0019625.

gnomAD v4.1: 1 of 1,611,686 alleles (0.000062%); no homozygotes.

Submission:

Labcorp Genetics (formerly Invitae), Labcorp
Classification: Uncertain significance for Familial thoracic aortic aneurysm and aortic dissection. Last evaluated: 2019-03-07. Review status: criteria provided, single submitter. Criteria: Invitae Variant Classification Sherloc (09022015). Collection method: clinical testing. Allele origin: germline.
Comment: This sequence change falls in intron 4 of the TGFBR1 gene. It does not directly change the encoded amino acid sequence of the TGFBR1 protein, but it affects a nucleotide within the consensus splice site of the intron. This variant is not present in population databases (ExAC no frequency). This variant has not been reported in the literature in individuals with TGFBR1-related conditions. Nucleotide substitutions within the consensus splice site are a relatively common cause of aberrant splicing (PMID: 17576681, 9536098). Algorithms developed to predict the effect of sequence changes on RNA splicing suggest that this variant may disrupt the consensus splice site, but this prediction has not been confirmed by published transcriptional studies. In summary, the available evidence is currently insufficient to determine the role of this variant in disease. Therefore, it has been classified as a Variant of Uncertain Significance.

NM_004612.4(TGFBR1):c.805+5G>A

Gene: TGFBR1 (transforming growth factor beta receptor 1; plus strand). Cytogenetic location: 9q22.33.
Variant type: single nucleotide variant.
Coding change: c.805+5G>A on transcript NM_004612.4 (MANE Select); 5 bases into the intron after coding-DNA position 805, G replaced by A.
Molecular consequence: intron variant.
Genome position (GRCh38, 1-based): chr9:99,138,094, G>A. VCF-style: chr9-99138094-G-A. GRCh37 (hg19) VCF-style: chr9-101900376-G-A.
Other names: c.817+5G>A (NM_001306210.2); c.574+5G>A (NM_001130916.3).
Identifiers: ClinVar variation 864256 (VCV000864256.1), dbSNP rs1827498156, ClinGen allele CA916083056.